The following is an entry in ClinVar:

NM_001105206.3(LAMA4):c.5048G>C (p.Gly1683Ala)

Gene: LAMA4 (laminin subunit alpha 4; minus strand). Cytogenetic location: 6q21.
Variant type: single nucleotide variant.
Coding change: c.5048G>C on transcript NM_001105206.3 (MANE Select); coding-DNA position 5048, G replaced by C.
Protein change: p.Gly1683Ala; replaces glycine 1683 with alanine.
Molecular consequence: missense variant.
Genome position (GRCh38, 1-based): chr6:112,115,927, C>G on the plus strand (G>C on the coding strand, the complement: LAMA4 is on the minus strand). VCF-style: chr6-112115927-C-G. GRCh37 (hg19) VCF-style: chr6-112437130-C-G.
Other names: c.5027G>C, p.Gly1676Ala (NM_001105207.3, NM_002290.5); short protein forms G1683A, G1676A.
Identifiers: ClinVar variation 4741562 (VCV004741562.1).

ClinVar aggregate classification (germline): Uncertain significance (1 of 4 stars; one submission).

Conditions:
Dilated cardiomyopathy 1JJ (CMD1JJ). Identifiers: Orphanet 154, MedGen C3808935, MONDO:0014095, OMIM 615235.

Submission:

Labcorp Genetics (formerly Invitae), Labcorp
Classification: Uncertain significance for Dilated cardiomyopathy 1JJ. Last evaluated: 2025-06-27. Review status: criteria provided, single submitter. Criteria: Invitae Variant Classification Sherloc (09022015). Collection method: clinical testing. Allele origin: germline.
Comment: This sequence change replaces glycine, which is neutral and non-polar, with alanine, which is neutral and non-polar, at codon 1676 of the LAMA4 protein (p.Gly1676Ala). This variant is not present in population databases (gnomAD no frequency). This variant has not been reported in the literature in individuals affected with LAMA4-related conditions. Invitae Evidence Modeling of protein sequence and biophysical properties (such as structural, functional, and spatial information, amino acid conservation, physicochemical variation, residue mobility, and thermodynamic stability) indicates that this missense variant is not expected to disrupt LAMA4 protein function with a negative predictive value of 80%. In summary, the available evidence is currently insufficient to determine the role of this variant in disease. Therefore, it has been classified as a Variant of Uncertain Significance.